The following is an entry in ClinVar:

ClinVar aggregate classification (germline): Uncertain significance (1 of 4 stars; one submission).

Submission:

Labcorp Genetics (formerly Invitae), Labcorp
Classification: Uncertain significance. Last evaluated: 2026-01-23. Review status: criteria provided, single submitter. Criteria: Invitae Variant Classification Sherloc (09022015). Collection method: clinical testing. Allele origin: germline.
Comment: This sequence change replaces glycine, which is neutral and non-polar, with valine, which is neutral and non-polar, at codon 1112 of the ARID1B protein (p.Gly1112Val). This variant is not present in population databases (gnomAD no frequency). This variant has not been reported in the literature in individuals affected with ARID1B-related conditions. Invitae Evidence Modeling of protein sequence and biophysical properties (such as structural, functional, and spatial information, amino acid conservation, physicochemical variation, residue mobility, and thermodynamic stability) indicates that this missense variant is expected to disrupt ARID1B protein function with a positive predictive value of 80%. In summary, the available evidence is currently insufficient to determine the role of this variant in disease. Therefore, it has been classified as a Variant of Uncertain Significance.

NM_001374828.1(ARID1B):c.3704G>T (p.Gly1235Val)

Gene: ARID1B (AT-rich interaction domain 1B; plus strand). Cytogenetic location: 6q25.3.
Variant type: single nucleotide variant.
Coding change: c.3704G>T on transcript NM_001374828.1 (MANE Select); coding-DNA position 3704, G replaced by T.
Protein change: p.Gly1235Val; replaces glycine 1235 with valine.
Molecular consequence: missense variant.
Genome position (GRCh38, 1-based): chr6:157,181,168, G>T. VCF-style: chr6-157181168-G-T. GRCh37 (hg19) VCF-style: chr6-157502302-G-T.
Other names: c.1205G>T, p.Gly402Val (NM_001363725.2); c.3584G>T, p.Gly1195Val (NM_001371656.1, NM_001374820.1); c.3833G>T, p.Gly1278Val (NM_001438482.1); c.3746G>T, p.Gly1249Val (NM_001438483.1); c.3614G>T, p.Gly1205Val (NM_001438485.1); c.3587G>T, p.Gly1196Val (NM_001438486.1); c.3524G>T, p.Gly1175Val (NM_001438487.1); c.1046G>T, p.Gly349Val (NM_001438488.1); and 1 more; short protein forms G1175V, G1182V, G1195V, G1196V, G1205V, G1235V, G1249V, G1278V.
Identifiers: ClinVar variation 4801400 (VCV004801400.1).
Genomic context (GRCh38, chr6:157,181,168, plus strand): 5'-CCGTGGGCAAGAAGCCCCTGGACCTGTTCCGACTCTACGTCTGCGTCAAAGAGATCGGGG[G>T]TTTGGCCCAGGTAAGAATGAGTGAGGGAGGGGGTGAAAAAGGAAGCATTGTGGATAAGTT-3'
Protein context (NP_001361757.1, residues 1225-1245): RLYVCVKEIG[Gly1235Val]LAQVNKNKKW